The following is an entry in ClinVar:

ClinVar aggregate classification (germline): Uncertain significance. Review status: criteria provided, multiple submitters, no conflicts (2 of 4 stars). 2 submissions from 2 submitters: Uncertain significance (2). Last evaluated 2025-09-02.

Conditions:
Hereditary cancer-predisposing syndrome. Also called: Hereditary neoplastic syndrome; Neoplastic Syndromes, Hereditary; Tumor predisposition; Hereditary Cancer Syndrome. Identifiers: Orphanet 140162, MedGen C0027672, MeSH D009386, MONDO:0015356.
Medulloblastoma (MDB). Also called: Medulloblastoma, somatic; MEDULLOBLASTOMA PREDISPOSITION SYNDROME. Identifiers: Orphanet 616, MedGen C0025149, MeSH D008527, MONDO:0007959, OMIM 155255, HP:0002885.
Gorlin syndrome. Also called: Nevoid Basal Cell Carcinoma Syndrome; Basal cell nevus syndrome. Identifiers: Orphanet 377, MedGen C0004779, MONDO:0007187.

gnomAD v4.1: 1 of 1,613,978 alleles (0.000062%); highest among the groups gnomAD compares: Non-Finnish European, 0.000085%; no homozygotes.

Submissions (2):

Ambry Genetics
Classification: Uncertain significance for Hereditary cancer-predisposing syndrome. Last evaluated: 2025-09-02. Review status: criteria provided, single submitter. Criteria: Ambry Variant Classification Scheme 2023. Collection method: clinical testing. Allele origin: germline.
Comment: The p.E283Q variant (also known as c.847G>C), located in coding exon 7 of the SUFU gene, results from a G to C substitution at nucleotide position 847. The glutamic acid at codon 283 is replaced by glutamine, an amino acid with highly similar properties. This amino acid position is highly conserved in available vertebrate species. In addition, this alteration is predicted to be tolerated by in silico analysis. Based on the available evidence, the clinical significance of this variant remains unclear.

Labcorp Genetics (formerly Invitae), Labcorp
Classification: Uncertain significance for Gorlin syndrome; Medulloblastoma. Last evaluated: 2025-07-17. Review status: criteria provided, single submitter. Criteria: Invitae Variant Classification Sherloc (09022015). Collection method: clinical testing. Allele origin: germline.
Comment: This sequence change replaces glutamic acid, which is acidic and polar, with glutamine, which is neutral and polar, at codon 283 of the SUFU protein (p.Glu283Gln). This variant is not present in population databases (gnomAD no frequency). This variant has not been reported in the literature in individuals affected with SUFU-related conditions. ClinVar contains an entry for this variant (Variation ID: 1026758). Invitae Evidence Modeling of protein sequence and biophysical properties (such as structural, functional, and spatial information, amino acid conservation, physicochemical variation, residue mobility, and thermodynamic stability) indicates that this missense variant is not expected to disrupt SUFU protein function with a negative predictive value of 80%. In summary, the available evidence is currently insufficient to determine the role of this variant in disease. Therefore, it has been classified as a Variant of Uncertain Significance.

NM_016169.4(SUFU):c.847G>C (p.Glu283Gln)

Gene: SUFU (SUFU negative regulator of hedgehog signaling; plus strand). Cytogenetic location: 10q24.32.
Variant type: single nucleotide variant.
Coding change: c.847G>C on transcript NM_016169.4 (MANE Select); coding-DNA position 847, G replaced by C.
Protein change: p.Glu283Gln; replaces glutamic acid 283 with glutamine.
Molecular consequence: missense variant.
Genome position (GRCh38, 1-based): chr10:102,597,230, G>C. VCF-style: chr10-102597230-G-C. GRCh37 (hg19) VCF-style: chr10-104356987-G-C.
Other names: c.847G>C (NM_016169.3); c.847G>C, p.Glu283Gln (NM_001178133.2); short protein forms E283Q.
Identifiers: ClinVar variation 1026758 (VCV001026758.8), dbSNP rs1554852789, ClinGen allele CA377910606.